The following is an entry in ClinVar:

NM_017617.5(NOTCH1):c.6384G>A (p.Pro2128=)

Gene: NOTCH1 (notch receptor 1; minus strand). Cytogenetic location: 9q34.3.
Variant type: single nucleotide variant.
Coding change: c.6384G>A on transcript NM_017617.5 (MANE Select); coding-DNA position 6384, G replaced by A.
Protein change: p.Pro2128=; no amino-acid change (proline 2128 retained).
Molecular consequence: synonymous variant.
Genome position (GRCh38, 1-based): chr9:136,497,355, C>T on the plus strand (G>A on the coding strand, the complement: NOTCH1 is on the minus strand). VCF-style: chr9-136497355-C-T. GRCh37 (hg19) VCF-style: chr9-139391807-C-T.
Other names: c.6384G>A (NM_017617.4).
Identifiers: ClinVar variation 766987 (VCV000766987.14), dbSNP rs746762310, ClinGen allele CA5339915.

ClinVar aggregate classification (germline): Likely benign. Review status: criteria provided, multiple submitters, no conflicts (2 of 4 stars). 3 submissions from 3 submitters: Likely benign (2). 1 of the submissions does not count toward it. Last evaluated 2025-08-11.

Conditions:
NOTCH1-related disorder. Also called: NOTCH1-related condition; NOTCH1-related disorders.
Adams-Oliver syndrome 5 (AOS5). Identifiers: Orphanet 974, MedGen C4014970, MONDO:0014459, OMIM 616028.
Familial thoracic aortic aneurysm and aortic dissection (TAAD). Also called: Thoracic aortic aneurysms and dissections. Identifiers: Orphanet 91387, MedGen C4707243, MONDO:0019625.

Allele frequency attached by ClinVar (database versions not stated): gnomAD exomes 0.00001 and 0.00003; ExAC 0.00003; gnomAD 0.00004 and 0.00005; TOPMed 0.00006.

Submissions (3):

Labcorp Genetics (formerly Invitae), Labcorp
Classification: Likely benign for Adams-Oliver syndrome 5. Last evaluated: 2025-08-11. Review status: criteria provided, single submitter. Criteria: Invitae Variant Classification Sherloc (09022015). Collection method: clinical testing. Allele origin: germline.

Ambry Genetics
Classification: Likely benign for Familial thoracic aortic aneurysm and aortic dissection. Last evaluated: 2020-08-30. Review status: criteria provided, single submitter. Criteria: Ambry Variant Classification Scheme 2023. Collection method: clinical testing. Allele origin: germline.

PreventionGenetics, part of Exact Sciences
Classification: Likely benign for NOTCH1-related condition. Last evaluated: 2019-07-15. Review status: no assertion criteria provided. Collection method: clinical testing. Allele origin: germline. Not counted in ClinVar's aggregate classification.
Comment: This variant is classified as likely benign based on ACMG/AMP sequence variant interpretation guidelines (Richards et al. 2015 PMID: 25741868, with internal and published modifications).